The following is an entry in ClinVar:

NM_004006.3(DMD):c.9975G>T (p.Arg3325Ser)

Gene: DMD (dystrophin; minus strand). Cytogenetic location: Xp21.2.
Variant type: single nucleotide variant.
Coding change: c.9975G>T on transcript NM_004006.3 (MANE Select); coding-DNA position 9975, G replaced by T.
Protein change: p.Arg3325Ser; replaces arginine 3325 with serine.
Molecular consequence: missense variant.
Genome position (GRCh38, 1-based): chrX:31,180,481, C>A on the plus strand (G>T on the coding strand, the complement: DMD is on the minus strand). VCF-style: chrX-31180481-C-A. GRCh37 (hg19) VCF-style: chrX-31198598-C-A.
Other names: c.9951G>T, p.Arg3317Ser (NM_000109.4); c.9963G>T, p.Arg3321Ser (NM_004009.3); c.9606G>T, p.Arg3202Ser (NM_004010.3); c.5952G>T, p.Arg1984Ser (NM_004011.4); c.5943G>T, p.Arg1981Ser (NM_004012.4); c.2595G>T, p.Arg865Ser (NM_004013.3, NM_004020.4, NM_004021.3 and 2 more transcripts); c.1788G>T, p.Arg596Ser (NM_004014.3); c.771G>T, p.Arg257Ser (NM_004015.3, NM_004016.3, NM_004017.3 and 2 more transcripts); short protein forms R1981S, R3325S, R1984S, R257S, R596S, R3202S, R3317S, R3321S.
Identifiers: ClinVar variation 2117465 (VCV002117465.4), dbSNP rs2519975707, ClinGen allele CA412653247.

ClinVar aggregate classification (germline): Uncertain significance (1 of 4 stars; one submission).

Conditions:
Duchenne muscular dystrophy (DMD). Also called: MUSCULAR DYSTROPHY, PSEUDOHYPERTROPHIC PROGRESSIVE, DUCHENNE TYPE; Duchenne Muscular Dystrophy (DMD). Identifiers: Orphanet 98896, MedGen C0013264, MONDO:0010679, OMIM 310200.

Submission:

Labcorp Genetics (formerly Invitae), Labcorp
Classification: Uncertain significance for Duchenne muscular dystrophy. Last evaluated: 2022-03-26. Review status: criteria provided, single submitter. Criteria: Invitae Variant Classification Sherloc (09022015). Collection method: clinical testing. Allele origin: germline.
Comment: In summary, the available evidence is currently insufficient to determine the role of this variant in disease. Therefore, it has been classified as a Variant of Uncertain Significance. Algorithms developed to predict the effect of sequence changes on RNA splicing suggest that this variant may create or strengthen a splice site. Algorithms developed to predict the effect of missense changes on protein structure and function are either unavailable or do not agree on the potential impact of this missense change (SIFT: "Deleterious"; PolyPhen-2: "Benign"; Align-GVGD: "Class C65"). This variant has not been reported in the literature in individuals affected with DMD-related conditions. This variant is not present in population databases (gnomAD no frequency). This sequence change replaces arginine, which is basic and polar, with serine, which is neutral and polar, at codon 3325 of the DMD protein (p.Arg3325Ser).